The following is an entry in ClinVar:

ClinVar aggregate classification (germline): Uncertain significance. Review status: criteria provided, multiple submitters, no conflicts (2 of 4 stars). 3 submissions from 3 submitters: Uncertain significance (3). Last evaluated 2025-11-04.

Conditions:
Inborn genetic diseases. Identifiers: MedGen C0950123, MeSH D030342.

Allele frequency attached by ClinVar (database versions not stated): 1000 Genomes Project 30x 0.00016; 1000 Genomes Project 0.00020.

Submissions (3):

Labcorp Genetics (formerly Invitae), Labcorp
Classification: Uncertain significance. Last evaluated: 2025-11-04. Review status: criteria provided, single submitter. Criteria: Invitae Variant Classification Sherloc (09022015). Collection method: clinical testing. Allele origin: germline.
Comment: This sequence change replaces phenylalanine, which is neutral and non-polar, with leucine, which is neutral and non-polar, at codon 222 of the SAMD9 protein (p.Phe222Leu). This variant is present in population databases (rs201875833, gnomAD 0.05%). This variant has not been reported in the literature in individuals affected with SAMD9-related conditions. ClinVar contains an entry for this variant (Variation ID: 1878807). Invitae Evidence Modeling of protein sequence and biophysical properties (such as structural, functional, and spatial information, amino acid conservation, physicochemical variation, residue mobility, and thermodynamic stability) has been performed for this missense variant. However, the output from this modeling did not meet the statistical confidence thresholds required to predict the impact of this variant on SAMD9 protein function. In summary, the available evidence is currently insufficient to determine the role of this variant in disease. Therefore, it has been classified as a Variant of Uncertain Significance.

Ambry Genetics
Classification: Uncertain significance for Inborn genetic diseases. Last evaluated: 2024-11-18. Review status: criteria provided, single submitter. Criteria: Ambry Variant Classification Scheme 2023. Collection method: clinical testing. Allele origin: germline.
Comment: The p.F222L variant (also known as c.664T>C), located in coding exon 1 of the SAMD9 gene, results from a T to C substitution at nucleotide position 664. The phenylalanine at codon 222 is replaced by leucine, an amino acid with highly similar properties. This amino acid position is conserved. In addition, the in silico prediction for this alteration is inconclusive. Based on the available evidence, the clinical significance of this variant remains unclear.

GeneDx
Classification: Uncertain significance. Last evaluated: 2024-06-03. Review status: criteria provided, single submitter. Criteria: GeneDx Variant Classification Process June 2021. Collection method: clinical testing. Allele origin: germline. Affected: yes.
Comment: In silico analysis supports that this missense variant has a deleterious effect on protein structure/function; Has not been previously published as pathogenic or benign to our knowledge; This variant is associated with the following publications: (PMID: 28545555)

NM_017654.4(SAMD9):c.664T>C (p.Phe222Leu)

Gene: SAMD9 (sterile alpha motif domain containing 9; minus strand). Cytogenetic location: 7q21.2.
Variant type: single nucleotide variant.
Coding change: c.664T>C on transcript NM_017654.4 (MANE Select); coding-DNA position 664, T replaced by C.
Protein change: p.Phe222Leu; replaces phenylalanine 222 with leucine.
Molecular consequence: missense variant.
Genome position (GRCh38, 1-based): chr7:93,105,434, A>G on the plus strand (T>C on the coding strand, the complement: SAMD9 is on the minus strand). VCF-style: chr7-93105434-A-G. GRCh37 (hg19) VCF-style: chr7-92734747-A-G.
Other names: c.664T>C, p.Phe222Leu (NM_001193307.2); short protein forms F222L.
Identifiers: ClinVar variation 1878807 (VCV001878807.8), dbSNP rs201875833, ClinGen allele CA4343095.
Genomic context (GRCh38, chr7:93,105,434, plus strand): 5'-TGTCTTTGACTCCAAAATGAATAGTGCCATTGGTACGTGAATTCATACAAGCTGAAGCAA[A>G]TCGGAAAACCTCATTGCTAAATTTCATCTTGACATCCTCTTCTGTGGCTGTTGCTGTATT-3'
Protein context (NP_060124.2, residues 212-232): KMKFSNEVFR[Phe222Leu]ASACMNSRTN